The following is an entry in ClinVar:

ClinVar aggregate classification (germline): Uncertain significance. Review status: criteria provided, multiple submitters, no conflicts (2 of 4 stars). 4 submissions from 4 submitters: Uncertain significance (4). Last evaluated 2025-06-16.

Conditions:
Neurofibromatosis, type 1 (NF1). Also called: Peripheral type neurofibromatosis; Neurofibromatosis, type I; NEUROFIBROMATOSIS, TYPE I, SOMATIC; VON RECKLINGHAUSEN DISEASE. Identifiers: Orphanet 636, MedGen C0027831, MONDO:0018975, OMIM 162200. Disease mechanism: loss of function.
Hereditary cancer-predisposing syndrome. Also called: Hereditary Cancer Syndrome; Neoplastic Syndromes, Hereditary; Hereditary neoplastic syndrome; Tumor predisposition. Identifiers: Orphanet 140162, MedGen C0027672, MeSH D009386, MONDO:0015356.
Cardiovascular phenotype. Identifiers: MedGen CN230736.

Submissions (4):

Quest Diagnostics Nichols Institute San Juan Capistrano
Classification: Uncertain significance. Last evaluated: 2025-06-16. Review status: criteria provided, single submitter. Criteria: Quest Diagnostics criteria. Collection method: clinical testing. Allele origin: unknown.

Labcorp Genetics (formerly Invitae), Labcorp
Classification: Uncertain significance for Neurofibromatosis, type 1. Last evaluated: 2023-04-04. Review status: criteria provided, single submitter. Criteria: Invitae Variant Classification Sherloc (09022015). Collection method: clinical testing. Allele origin: germline.
Comment: In summary, the available evidence is currently insufficient to determine the role of this variant in disease. Therefore, it has been classified as a Variant of Uncertain Significance. Advanced modeling of protein sequence and biophysical properties (such as structural, functional, and spatial information, amino acid conservation, physicochemical variation, residue mobility, and thermodynamic stability) performed at Invitae indicates that this missense variant is expected to disrupt NF1 protein function. ClinVar contains an entry for this variant (Variation ID: 820596). This variant has not been reported in the literature in individuals affected with NF1-related conditions. This variant is not present in population databases (gnomAD no frequency). This sequence change replaces glutamic acid, which is acidic and polar, with glutamine, which is neutral and polar, at codon 688 of the NF1 protein (p.Glu688Gln).

Genome-Nilou Lab
Classification: Uncertain significance for Neurofibromatosis, type 1. Last evaluated: 2022-03-15. Review status: criteria provided, single submitter. Criteria: ACMG Guidelines, 2015. Collection method: clinical testing. Allele origin: germline. Affected: no.

Ambry Genetics
Classification: Uncertain significance for Cardiovascular phenotype; Hereditary cancer-predisposing syndrome. Last evaluated: 2020-10-16. Review status: criteria provided, single submitter. Criteria: Ambry Variant Classification Scheme 2023. Collection method: clinical testing. Allele origin: germline.
Comment: The p.E688Q variant (also known as c.2062G>C), located in coding exon 18 of the NF1 gene, results from a G to C substitution at nucleotide position 2062. The glutamic acid at codon 688 is replaced by glutamine, an amino acid with highly similar properties. This amino acid position is highly conserved in available vertebrate species. In addition, this alteration is predicted to be deleterious by in silico analysis. Since supporting evidence is limited at this time, the clinical significance of this alteration remains unclear.

NM_001042492.3(NF1):c.2062G>C (p.Glu688Gln)

Gene: NF1 (neurofibromin 1; plus strand). Cytogenetic location: 17q11.2.
Variant type: single nucleotide variant.
Coding change: c.2062G>C on transcript NM_001042492.3 (MANE Select); coding-DNA position 2062, G replaced by C.
Protein change: p.Glu688Gln; replaces glutamic acid 688 with glutamine.
Molecular consequence: missense variant.
Genome position (GRCh38, 1-based): chr17:31,226,495, G>C. VCF-style: chr17-31226495-G-C. GRCh37 (hg19) VCF-style: chr17-29553513-G-C.
Other names: c.2062G>C, p.Glu688Gln (NM_000267.4); short protein forms E688Q.
Identifiers: ClinVar variation 820596 (VCV000820596.13), dbSNP rs1555613784, ClinGen allele CA398982132.